The following is an entry in ClinVar:

ClinVar aggregate classification (germline): Uncertain significance (1 of 4 stars; one submission).

Conditions:
Hereditary cancer-predisposing syndrome. Also called: Neoplastic Syndromes, Hereditary; Tumor predisposition; Hereditary Cancer Syndrome; Hereditary neoplastic syndrome. Identifiers: Orphanet 140162, MedGen C0027672, MeSH D009386, MONDO:0015356.

Allele frequency attached by ClinVar (database versions not stated): gnomAD exomes below 0.00001.
gnomAD v4.1: 1 of 1,613,318 alleles (0.000062%); highest among the groups gnomAD compares: Non-Finnish European, 0.000085%; no homozygotes.

Submission:

Color Diagnostics, LLC DBA Color Health
Classification: Uncertain significance for Hereditary cancer-predisposing syndrome. Last evaluated: 2023-04-23. Review status: criteria provided, single submitter. Criteria: ACMG Guidelines, 2015. Collection method: clinical testing. Allele origin: germline.
Comment: This missense variant replaces serine with glycine at codon 1786 of the BRCA2 protein. Computational prediction suggests that this variant may not impact protein structure and function (internally defined REVEL score threshold <= 0.5, PMID: 27666373). To our knowledge, functional studies have not been reported for this variant. This variant has not been reported in individuals affected with BRCA2-related disorders in the literature. This variant has not been identified in the general population by the Genome Aggregation Database (gnomAD). The available evidence is insufficient to determine the role of this variant in disease conclusively. Therefore, this variant is classified as a Variant of Uncertain Significance.

NM_000059.4(BRCA2):c.5356A>G (p.Ser1786Gly)

Gene: BRCA2 (BRCA2 DNA repair associated; plus strand). Cytogenetic location: 13q13.1.
Variant type: single nucleotide variant.
Coding change: c.5356A>G on transcript NM_000059.4 (MANE Select); coding-DNA position 5356, A replaced by G.
Protein change: p.Ser1786Gly; replaces serine 1786 with glycine.
Molecular consequence: missense variant. On other transcripts: non-coding transcript variant (1), intron variant (2).
Genome position (GRCh38, 1-based): chr13:32,339,711, A>G. VCF-style: chr13-32339711-A-G. GRCh37 (hg19) VCF-style: chr13-32913848-A-G.
Other names: c.5356A>G, p.Ser1786Gly (NM_001406719.1, NM_001406720.1); c.1910-4847A>G (NM_001406721.1); c.425-4847A>G (NM_001406722.1); short protein forms S1786G.
Identifiers: ClinVar variation 2774919 (VCV002774919.2), dbSNP rs2137516735, ClinGen allele CA387785071.